The following is an entry in ClinVar:

NM_005732.4(RAD50):c.680T>G (p.Ile227Ser)

Gene: RAD50 (RAD50 double strand break repair protein; plus strand). Cytogenetic location: 5q31.1.
Variant type: single nucleotide variant.
Coding change: c.680T>G on transcript NM_005732.4 (MANE Select); coding-DNA position 680, T replaced by G.
Protein change: p.Ile227Ser; replaces isoleucine 227 with serine.
Molecular consequence: missense variant.
Genome position (GRCh38, 1-based): chr5:132,579,990, T>G. VCF-style: chr5-132579990-T-G. GRCh37 (hg19) VCF-style: chr5-131915682-T-G.
Other names: short protein forms I227S.
Identifiers: ClinVar variation 187068 (VCV000187068.12), dbSNP rs786203447, ClinGen allele CA196653.

ClinVar aggregate classification (germline): Uncertain significance. Review status: criteria provided, multiple submitters, no conflicts (2 of 4 stars). 2 submissions from 2 submitters: Uncertain significance (2). Last evaluated 2023-02-04.

Conditions:
Hereditary cancer-predisposing syndrome. Also called: Neoplastic Syndromes, Hereditary; Tumor predisposition; Hereditary Cancer Syndrome; Hereditary neoplastic syndrome. Identifiers: Orphanet 140162, MedGen C0027672, MeSH D009386, MONDO:0015356.

Allele frequency attached by ClinVar (database versions not stated): gnomAD exomes 0.00001.
gnomAD v4.1: 4 of 1,613,326 alleles (0.00025%); highest among the groups gnomAD compares: Non-Finnish European, 0.00034%; no homozygotes.

Submissions (2):

Labcorp Genetics (formerly Invitae), Labcorp
Classification: Uncertain significance for Hereditary cancer-predisposing syndrome. Last evaluated: 2023-02-04. Review status: criteria provided, single submitter. Criteria: Invitae Variant Classification Sherloc (09022015). Collection method: clinical testing. Allele origin: germline.
Comment: This variant is present in population databases (rs786203447, gnomAD 0.003%). In summary, the available evidence is currently insufficient to determine the role of this variant in disease. Therefore, it has been classified as a Variant of Uncertain Significance. Advanced modeling of protein sequence and biophysical properties (such as structural, functional, and spatial information, amino acid conservation, physicochemical variation, residue mobility, and thermodynamic stability) performed at Invitae indicates that this missense variant is not expected to disrupt RAD50 protein function. ClinVar contains an entry for this variant (Variation ID: 187068). This variant has not been reported in the literature in individuals affected with RAD50-related conditions. This sequence change replaces isoleucine, which is neutral and non-polar, with serine, which is neutral and polar, at codon 227 of the RAD50 protein (p.Ile227Ser).

Ambry Genetics
Classification: Uncertain significance for Hereditary cancer-predisposing syndrome. Last evaluated: 2014-11-02. Review status: criteria provided, single submitter. Criteria: Ambry Variant Classification Scheme 2023. Collection method: clinical testing. Allele origin: germline.
Comment: The p.I227S variant (also known as c.680T>G), located in coding exon 5 of the RAD50 gene, results from a T to G substitution at nucleotide position 680. The isoleucine at codon 227 is replaced by serine, an amino acid with dissimilar properties. This variant was not reported in population based cohorts in the following databases: Database of Single Nucleotide Polymorphisms (dbSNP), NHLBI Exome Sequencing Project (ESP), and 1000 Genomes Project. In the ESP, this variant was not observed in 6503 samples (13006 alleles) with coverage at this position. To date, this alteration has been detected with an allele frequency of approximately 0.005% (greater than 40000 alleles tested) in our clinical cohort. Based on protein sequence alignment, this amino acid position is highly conserved through mammals but not in all available vertebrate species. In addition, this alteration is predicted to be possibly damaging and deleterious by PolyPhen and SIFT in silico analyses, respectively. Since supporting evidence is limited at this time, the clinical significance of p.I227S remains unclear.